The following is an entry in ClinVar:

NM_006231.4(POLE):c.3858_3881del (p.Ala1288_Leu1295del)

Gene: POLE (DNA polymerase epsilon, catalytic subunit; minus strand). Cytogenetic location: 12q24.33.
Variant type: Deletion.
Coding change: c.3858_3881del on transcript NM_006231.4 (MANE Select); coding-DNA positions 3858 to 3881, 24 bases deleted (CCTCGCCCGCAGGAAGAGGCAGCG).
Protein change: p.Ala1288_Leu1295del.
Molecular consequence: inframe deletion.
Genome position (GRCh38, 1-based): chr12:132,649,430-132,649,453, CGCTGCCTCTTCCTGCGGGCGAGG deleted on the plus strand (CCTCGCCCGCAGGAAGAGGCAGCG on the coding strand, the reverse complement: POLE is on the minus strand); deleting any 24 consecutive bases within chr12:132,649,430-132,649,460 gives the same sequence; the c. name uses the placement nearest the transcript's 3' end. VCF-style (leftmost placement, unchanged base first): chr12-132649429-ACGCTGCCTCTTCCTGCGGGCGAGG-A. GRCh37 (hg19) VCF-style: chr12-133226015-ACGCTGCCTCTTCCTGCGGGCGAGG-A.
Other names: c.3858_3881delCCTCGCCCGCAGGAAGAGGCAGCG (NM_006231.3); c.3858_3881del (NM_006231.2).
Identifiers: ClinVar variation 422681 (VCV000422681.18), dbSNP rs759449495, ClinGen allele CA6893063.

ClinVar aggregate classification (germline): Uncertain significance. Review status: criteria provided, multiple submitters, no conflicts (2 of 4 stars). 4 submissions from 4 submitters: Uncertain significance (4). Last evaluated 2026-01-28.

Conditions:
Hereditary cancer-predisposing syndrome. Also called: Hereditary neoplastic syndrome; Neoplastic Syndromes, Hereditary; Tumor predisposition; Hereditary Cancer Syndrome. Identifiers: Orphanet 140162, MedGen C0027672, MeSH D009386, MONDO:0015356.

Submissions (4):

Labcorp Genetics (formerly Invitae), Labcorp
Classification: Uncertain significance. Last evaluated: 2026-01-28. Review status: criteria provided, single submitter. Criteria: Invitae Variant Classification Sherloc (09022015). Collection method: clinical testing. Allele origin: germline.
Comment: This variant, c.3858_3881del, results in the deletion of 8 amino acid(s) of the POLE protein (p.Ala1288_Leu1295del), but otherwise preserves the integrity of the reading frame. This variant is present in population databases (rs759449495, gnomAD 0.0009%). This variant has not been reported in the literature in individuals affected with POLE-related conditions. ClinVar contains an entry for this variant (Variation ID: 422681). Experimental studies and prediction algorithms are not available or were not evaluated, and the functional significance of this variant is currently unknown. In summary, the available evidence is currently insufficient to determine the role of this variant in disease. Therefore, it has been classified as a Variant of Uncertain Significance.

Center for Genomic Medicine, Rigshospitalet, Copenhagen University Hospital
Classification: Uncertain significance. Last evaluated: 2025-03-04. Review status: criteria provided, single submitter. Criteria: ACMG Guidelines, 2015. Collection method: clinical testing. Allele origin: germline.

Ambry Genetics
Classification: Uncertain significance for Hereditary cancer-predisposing syndrome. Last evaluated: 2025-01-07. Review status: criteria provided, single submitter. Criteria: Ambry Variant Classification Scheme 2023. Collection method: clinical testing. Allele origin: germline.
Comment: The c.3858_3881del24 variant (also known as p.A1288_L1295del) is located in coding exon 31 of the POLE gene. This variant results from an in-frame deletion of 24 nucleotides at positions 1288 to 1295. This results in the deletion of 8 amino acids between codons 3858 and 3881. In addition, this alteration is predicted to be deleterious by in silico analysis (Choi Y et al. PLoS ONE. 2012; 7(10):e46688). Since supporting evidence is limited at this time, the clinical significance of this alteration remains unclear.

GeneDx
Classification: Uncertain significance. Last evaluated: 2023-06-30. Review status: criteria provided, single submitter. Criteria: GeneDx Variant Classification Process June 2021. Collection method: clinical testing. Allele origin: germline. Affected: yes.
Comment: In-frame deletion of 8 amino acids in a non-repeat region; In silico analysis supports a deleterious effect on protein structure/function; Not observed at significant frequency in large population cohorts (gnomAD); Has not been previously published as pathogenic or benign to our knowledge; This variant is associated with the following publications: (PMID: 37250013)